The following is an entry in ClinVar:

NM_013372.7(GREM1):c.303G>C (p.Gln101His)

Gene: GREM1 (gremlin 1, DAN family BMP antagonist; plus strand). Cytogenetic location: 15q13.3.
Variant type: single nucleotide variant.
Coding change: c.303G>C on transcript NM_013372.7 (MANE Select); coding-DNA position 303, G replaced by C.
Protein change: p.Gln101His; replaces glutamine 101 with histidine.
Molecular consequence: missense variant.
Genome position (GRCh38, 1-based): chr15:32,730,993, G>C. VCF-style: chr15-32730993-G-C. GRCh37 (hg19) VCF-style: chr15-33023194-G-C.
Other names: c.93G>C, p.Gln31His (NM_001191322.2); c.180G>C, p.Gln60His (NM_001191323.2); c.303G>C, p.Gln101His (NM_001368719.1); short protein forms Q101H, Q31H, Q60H.
Identifiers: ClinVar variation 1799148 (VCV001799148.3), dbSNP rs2548707774, ClinGen allele CA391557640.

ClinVar aggregate classification (germline): Uncertain significance (1 of 4 stars; one submission).

Conditions:
Hereditary cancer-predisposing syndrome. Also called: Neoplastic Syndromes, Hereditary; Tumor predisposition; Hereditary Cancer Syndrome; Hereditary neoplastic syndrome. Identifiers: Orphanet 140162, MedGen C0027672, MeSH D009386, MONDO:0015356.

Allele frequency attached by ClinVar (database versions not stated): gnomAD exomes below 0.00001.
gnomAD v4.1: 2 of 1,614,174 alleles (0.00012%); highest among the groups gnomAD compares: Non-Finnish European, 0.000085%; no homozygotes.

Submission:

Ambry Genetics
Classification: Uncertain significance for Hereditary cancer-predisposing syndrome. Last evaluated: 2024-04-24. Review status: criteria provided, single submitter. Criteria: Ambry Variant Classification Scheme 2023. Collection method: clinical testing. Allele origin: germline.
Comment: The p.Q101H variant (also known as c.303G>C), located in coding exon 1 of the GREM1 gene, results from a G to C substitution at nucleotide position 303. The glutamine at codon 101 is replaced by histidine, an amino acid with highly similar properties. This amino acid position is conserved. In addition, this alteration is predicted to be deleterious by in silico analysis. Since supporting evidence is limited at this time, the clinical significance of this alteration remains unclear.